The following is an entry in ClinVar:

ClinVar aggregate classification (germline): Uncertain significance. Review status: criteria provided, multiple submitters, no conflicts (2 of 4 stars). 3 submissions from 3 submitters: Uncertain significance (3). Last evaluated 2024-04-22.

Conditions:
Wolcott-Rallison dysplasia. Also called: MED-IDDM SYNDROME; Wolcott-Rallison syndrome. Identifiers: Orphanet 1667, MedGen C0432217, MONDO:0009192, OMIM 226980.

Allele frequency attached by ClinVar (database versions not stated): gnomAD 0.00002; gnomAD exomes 0.00003 and 0.00005; TOPMed 0.00003; ExAC 0.00005; ESP Exome Variant Server 0.00008.
gnomAD v4.1: 41 of 1,614,078 alleles (0.0025%); highest among the groups gnomAD compares: Non-Finnish European, 0.00085%; no homozygotes.

Submissions (3):

Fulgent Genetics
Classification: Uncertain significance for Wolcott-Rallison dysplasia. Last evaluated: 2024-04-22. Review status: criteria provided, single submitter. Criteria: ACMG Guidelines, 2015. Collection method: clinical testing. Allele origin: germline.

Labcorp Genetics (formerly Invitae), Labcorp
Classification: Uncertain significance. Last evaluated: 2022-04-24. Review status: criteria provided, single submitter. Criteria: Invitae Variant Classification Sherloc (09022015). Collection method: clinical testing. Allele origin: germline.
Comment: This sequence change replaces lysine, which is basic and polar, with isoleucine, which is neutral and non-polar, at codon 836 of the EIF2AK3 protein (p.Lys836Ile). This variant is present in population databases (rs200270016, gnomAD 0.09%). This variant has not been reported in the literature in individuals affected with EIF2AK3-related conditions. ClinVar contains an entry for this variant (Variation ID: 337402). Algorithms developed to predict the effect of missense changes on protein structure and function are either unavailable or do not agree on the potential impact of this missense change (SIFT: "Deleterious"; PolyPhen-2: "Benign"; Align-GVGD: "Class C0"). In summary, the available evidence is currently insufficient to determine the role of this variant in disease. Therefore, it has been classified as a Variant of Uncertain Significance.

Illumina Laboratory Services, Illumina
Classification: Uncertain significance for Wolcott-Rallison dysplasia. Last evaluated: 2018-01-13. Review status: criteria provided, single submitter. Criteria: ICSL Variant Classification Criteria 13 December 2019. Collection method: clinical testing. Allele origin: germline.

NM_004836.7(EIF2AK3):c.2507A>T (p.Lys836Ile)

Genes: EIF2AK3-AS1 (EIF2AK3 antisense RNA 1; plus strand), EIF2AK3 (eukaryotic translation initiation factor 2 alpha kinase 3; minus strand). Cytogenetic location: 2p11.2.
Variant type: single nucleotide variant.
Coding change: c.2507A>T on transcript NM_004836.7 (MANE Select); coding-DNA position 2507, A replaced by T.
Protein change: p.Lys836Ile; replaces lysine 836 with isoleucine.
Molecular consequence: missense variant. On other transcripts: non-coding transcript variant (1).
Genome position (GRCh38, 1-based): chr2:88,574,976, T>A on the plus strand (A>T on the coding strand, the complement: EIF2AK3 is on the minus strand). VCF-style: chr2-88574976-T-A. GRCh37 (hg19) VCF-style: chr2-88874494-T-A.
Other names: c.2054A>T, p.Lys685Ile (NM_001313915.2); short protein forms K836I, K685I.
Identifiers: ClinVar variation 337402 (VCV000337402.10), dbSNP rs200270016, ClinGen allele CA1754439.